The following is an entry in ClinVar:

NM_002382.5(MAX):c.157C>A (p.Leu53Ile)

Genes: MAX (MYC associated transcriptional regulator X; minus strand), MAX-AS1 (MAX antisense RNA 1; plus strand). Cytogenetic location: 14q23.3.
Variant type: single nucleotide variant.
Coding change: c.157C>A on transcript NM_002382.5 (MANE Select); coding-DNA position 157, C replaced by A.
Protein change: p.Leu53Ile; replaces leucine 53 with isoleucine.
Molecular consequence: missense variant. On other transcripts: non-coding transcript variant (1), 5 prime UTR variant (1).
Genome position (GRCh38, 1-based): chr14:65,093,722, G>T on the plus strand (C>A on the coding strand, the complement: MAX is on the minus strand). VCF-style: chr14-65093722-G-T. GRCh37 (hg19) VCF-style: chr14-65560440-G-T.
Other names: c.130C>A, p.Leu44Ile (NM_001271068.2, NM_001271069.2, NM_001407095.1 and 9 more transcripts); c.-118C>A (NM_001320415.2, NM_001407105.1, NM_001407106.1 and 1 more transcripts); c.157C>A, p.Leu53Ile (NM_001407094.1, NM_001407096.1, NM_001407097.1 and 5 more transcripts); c.-211C>A (NM_001407111.1, NM_001407112.1); c.180C>A, p.His60Gln (NM_001407114.1); short protein forms L44I, H60Q, L53I.
Identifiers: ClinVar variation 1775646 (VCV001775646.6), dbSNP rs2139882766, ClinGen allele CA390037627.

ClinVar aggregate classification (germline): Uncertain significance. Review status: criteria provided, multiple submitters, no conflicts (2 of 4 stars). 2 submissions from 2 submitters: Uncertain significance (2). Last evaluated 2024-04-15.

Conditions:
Hereditary cancer-predisposing syndrome. Also called: Tumor predisposition; Hereditary Cancer Syndrome; Hereditary neoplastic syndrome; Neoplastic Syndromes, Hereditary. Identifiers: Orphanet 140162, MedGen C0027672, MeSH D009386, MONDO:0015356.
Hereditary pheochromocytoma and paraganglioma. Also called: Hereditary paragangliomas and pheochromocytomas; Hereditary Paraganglioma-Pheochromocytoma Syndromes; Hereditary pheochromocytoma-paraganglioma. Identifiers: Orphanet 29072, MedGen C4274332, MONDO:0017366.

Allele frequency attached by ClinVar (database versions not stated): gnomAD exomes below 0.00001.
gnomAD v4.1: 1 of 1,597,858 alleles (0.000063%); highest among the groups gnomAD compares: Non-Finnish European, 0.000086%; no homozygotes.

Submissions (2):

Ambry Genetics
Classification: Uncertain significance for Hereditary cancer-predisposing syndrome. Last evaluated: 2024-04-15. Review status: criteria provided, single submitter. Criteria: Ambry Variant Classification Scheme 2023. Collection method: clinical testing. Allele origin: germline.
Comment: The p.L53I variant (also known as c.157C>A), located in coding exon 3 of the MAX gene, results from a C to A substitution at nucleotide position 157. The leucine at codon 53 is replaced by isoleucine, an amino acid with highly similar properties. This amino acid position is highly conserved in available vertebrate species. In addition, the in silico prediction for this alteration is inconclusive. Based on the available evidence, the clinical significance of this variant remains unclear.

Labcorp Genetics (formerly Invitae), Labcorp
Classification: Uncertain significance for Hereditary pheochromocytoma and paraganglioma. Last evaluated: 2023-02-22. Review status: criteria provided, single submitter. Criteria: Invitae Variant Classification Sherloc (09022015). Collection method: clinical testing. Allele origin: germline.
Comment: In summary, the available evidence is currently insufficient to determine the role of this variant in disease. Therefore, it has been classified as a Variant of Uncertain Significance. An algorithm developed to predict the effect of missense changes on protein structure and function (PolyPhen-2) suggests that this variant is likely to be disruptive. ClinVar contains an entry for this variant (Variation ID: 1775646). This variant has not been reported in the literature in individuals affected with MAX-related conditions. This variant is not present in population databases (gnomAD no frequency). This sequence change replaces leucine, which is neutral and non-polar, with isoleucine, which is neutral and non-polar, at codon 53 of the MAX protein (p.Leu53Ile).